The following is an entry in ClinVar:

ClinVar aggregate classification (germline): Likely benign. Review status: criteria provided, multiple submitters, no conflicts (2 of 4 stars). 4 submissions from 4 submitters: Likely benign (3). 1 of the submissions does not count toward it. Last evaluated 2024-11-10.

Conditions:
DNAAF5-related disorder. Also called: DNAAF5-related condition.
Primary ciliary dyskinesia. Also called: Ciliary dyskinesia. Identifiers: Orphanet 244, MedGen C0008780, MONDO:0016575, HP:0012265.

Allele frequency attached by ClinVar (database versions not stated): TOPMed 0.00010; gnomAD 0.00011 and 0.00013; ESP Exome Variant Server 0.00015; 1000 Genomes Project 30x 0.00016; 1000 Genomes Project 0.00020; gnomAD exomes 0.00004 and 0.00006; ExAC 0.00005.
gnomAD v4.1: 72 of 1,614,064 alleles (0.0045%); highest among the groups gnomAD compares: Middle Eastern, 0.099%; no homozygotes.

Submissions (4):

Ambry Genetics
Classification: Likely benign for Primary ciliary dyskinesia. Last evaluated: 2024-11-10. Review status: criteria provided, single submitter. Criteria: Ambry Variant Classification Scheme 2023. Collection method: clinical testing. Allele origin: germline.

Labcorp Genetics (formerly Invitae), Labcorp
Classification: Likely benign for Primary ciliary dyskinesia. Last evaluated: 2024-10-21. Review status: criteria provided, single submitter. Criteria: Invitae Variant Classification Sherloc (09022015). Collection method: clinical testing. Allele origin: germline.

Breakthrough Genomics
Classification: Likely benign. Review status: criteria provided, single submitter. Criteria: ACMG Guidelines, 2015. Collection method: not provided. Allele origin: germline. Inheritance: Autosomal recessive inheritance. Affected: yes.

PreventionGenetics, part of Exact Sciences
Classification: Likely benign for DNAAF5-related condition. Last evaluated: 2019-06-20. Review status: no assertion criteria provided. Collection method: clinical testing. Allele origin: germline. Not counted in ClinVar's aggregate classification.
Comment: This variant is classified as likely benign based on ACMG/AMP sequence variant interpretation guidelines (Richards et al. 2015 PMID: 25741868, with internal and published modifications).

NM_017802.4(DNAAF5):c.840C>T (p.Tyr280=)

Gene: DNAAF5 (dynein axonemal assembly factor 5; plus strand). Cytogenetic location: 7p22.3.
Variant type: single nucleotide variant.
Coding change: c.840C>T on transcript NM_017802.4 (MANE Select); coding-DNA position 840, C replaced by T.
Protein change: p.Tyr280=; no amino-acid change (tyrosine 280 retained).
Molecular consequence: synonymous variant. On other transcripts: non-coding transcript variant (1).
Genome position (GRCh38, 1-based): chr7:740,878, C>T. VCF-style: chr7-740878-C-T. GRCh37 (hg19) VCF-style: chr7-780515-C-T.
Other names: c.840C>T (NM_017802.3).
Identifiers: ClinVar variation 1130105 (VCV001130105.11), dbSNP rs199992201, ClinGen allele CA4110482.